The following is an entry in ClinVar:

NM_000388.4(CASR):c.2224T>C (p.Trp742Arg)

Gene: CASR (calcium sensing receptor; plus strand). Cytogenetic location: 3q21.1.
Variant type: single nucleotide variant.
Coding change: c.2224T>C on transcript NM_000388.4 (MANE Select); coding-DNA position 2224, T replaced by C.
Protein change: p.Trp742Arg; replaces tryptophan 742 with arginine.
Molecular consequence: missense variant.
Genome position (GRCh38, 1-based): chr3:122,284,178, T>C. VCF-style: chr3-122284178-T-C. GRCh37 (hg19) VCF-style: chr3-122003025-T-C.
Other names: c.2254T>C, p.Trp752Arg (NM_001178065.2); short protein forms W742R, W752R.
Identifiers: ClinVar variation 3765380 (VCV003765380.1).
Genomic context (GRCh38, chr3:122,284,178, plus strand): 5'-AACCTGCAGTTCCTGCTGGTTTTCCTCTGCACCTTCATGCAGATTGTCATCTGTGTGATC[T>C]GGCTCTACACCGCGCCCCCGTCAAGCTACCGCAACCAGGAGCTGGAGGATGAGATCATCT-3'
Protein context (NP_000379.3, residues 732-752): TFMQIVICVI[Trp742Arg]LYTAPPSSYR

ClinVar aggregate classification (germline): Likely pathogenic (1 of 4 stars; one submission).

Submission:

Center for Genomic Medicine, Rigshospitalet, Copenhagen University Hospital
Classification: Likely pathogenic. Last evaluated: 2025-03-04. Review status: criteria provided, single submitter. Criteria: ACMG Guidelines, 2015. Collection method: clinical testing. Allele origin: germline.
Comment: Classification criteria: PM2_supporting, PP3_strong, PP4

Literature cited by the submitters: PubMed 17698911.